The following is an entry in ClinVar:

NM_000288.4(PEX7):c.-95T>C

Gene: PEX7 (peroxisomal biogenesis factor 7; plus strand). Cytogenetic location: 6q23.3.
Variant type: single nucleotide variant.
Coding change: c.-95T>C on transcript NM_000288.4 (MANE Select); 95 bases upstream of the start codon, T replaced by C.
Genome position (GRCh38, 1-based): chr6:136,822,571, T>C. VCF-style: chr6-136822571-T-C. GRCh37 (hg19) VCF-style: chr6-137143709-T-C.
Identifiers: ClinVar variation 674920 (VCV000674920.4), dbSNP rs1321471, ClinGen allele CA12209428.

ClinVar aggregate classification (germline): Benign. Review status: criteria provided, multiple submitters, no conflicts (2 of 4 stars). 3 submissions from 2 submitters: Benign (3). Last evaluated 2021-07-10.

Conditions:
Peroxisome biogenesis disorder 9B. Also called: PEX7-Related Refsum Disease; Refsum disease, adult, 2; PEROXISOME BIOGENESIS DISORDER, PEX7-RELATED, ATYPICAL. Identifiers: Orphanet 773, MedGen C2749346, MONDO:0013945, OMIM 614879.
Rhizomelic chondrodysplasia punctata type 1 (RCDP1). Also called: CHONDRODYSTROPHIA CALCIFICANS PUNCTATA; PEX7-Related Rhizomelic Chondrodysplasia Punctata; PEROXISOME BIOGENESIS DISORDER 9. Identifiers: Orphanet 177, Orphanet 309789, MedGen C1859133, MONDO:0008972, OMIM 215100. Disease mechanism: loss of function.

Allele frequency attached by ClinVar (database versions not stated): 1000 Genomes Project 30x 0.47517; TOPMed 0.50178.

Submissions (3):

Genome-Nilou Lab
Classification: Benign for Peroxisome biogenesis disorder 9B. Last evaluated: 2021-07-10. Review status: criteria provided, single submitter. Criteria: ACMG Guidelines, 2015. Collection method: clinical testing. Allele origin: germline. Affected: no.

Genome-Nilou Lab
Classification: Benign for Rhizomelic chondrodysplasia punctata type 1. Last evaluated: 2021-07-10. Review status: criteria provided, single submitter. Criteria: ACMG Guidelines, 2015. Collection method: clinical testing. Allele origin: germline. Affected: no.

GeneDx
Classification: Benign. Last evaluated: 2018-06-14. Review status: criteria provided, single submitter. Criteria: GeneDx Variant Classification (06012015). Collection method: clinical testing. Allele origin: germline. Affected: yes.
Comment: This variant is considered likely benign or benign based on one or more of the following criteria: it is a conservative change, it occurs at a poorly conserved position in the protein, it is predicted to be benign by multiple in silico algorithms, and/or has population frequency not consistent with disease.